The following is an entry in ClinVar:

ClinVar aggregate classification (germline): Likely benign. Review status: criteria provided, multiple submitters, no conflicts (2 of 4 stars). 3 submissions from 3 submitters: Likely benign (3). Last evaluated 2025-12-28.

Conditions:
Fanconi anemia complementation group J. Also called: BRIP1-Related Fanconi Anemia. Identifiers: Orphanet 84, MedGen C1836860, MONDO:0012187, OMIM 609054.
Familial cancer of breast. Also called: BREAST CANCER, FAMILIAL; hereditary breast carcinoma; Hereditary breast cancer. Identifiers: Orphanet 227535, MedGen C0346153, MONDO:0016419, OMIM 114480. Disease mechanism: loss of function.
Hereditary cancer-predisposing syndrome. Also called: Tumor predisposition; Neoplastic Syndromes, Hereditary; Hereditary Cancer Syndrome; Hereditary neoplastic syndrome. Identifiers: Orphanet 140162, MedGen C0027672, MeSH D009386, MONDO:0015356.

Allele frequency attached by ClinVar (database versions not stated): gnomAD below 0.00001 and 0.00001; gnomAD exomes below 0.00001; TOPMed 0.00001.
gnomAD v4.1: 3 of 1,613,278 alleles (0.00019%); highest among the groups gnomAD compares: South Asian, 0.0011%; no homozygotes.

Submissions (3):

Labcorp Genetics (formerly Invitae), Labcorp
Classification: Likely benign for Familial cancer of breast; Fanconi anemia complementation group J. Last evaluated: 2025-12-28. Review status: criteria provided, single submitter. Criteria: Invitae Variant Classification Sherloc (09022015). Collection method: clinical testing. Allele origin: germline.

Myriad Genetics, Inc.
Classification: Likely benign for Familial cancer of breast. Last evaluated: 2024-08-21. Review status: criteria provided, single submitter. Criteria: Myriad Autosomal Dominant, Autosomal Recessive and X-Linked Classification Criteria (2023). Collection method: clinical testing. Allele origin: unknown.
Comment: This variant is considered likely benign. This variant is intronic and is not expected to impact mRNA splicing.

Color Diagnostics, LLC DBA Color Health
Classification: Likely benign for Hereditary cancer-predisposing syndrome. Last evaluated: 2016-06-08. Review status: criteria provided, single submitter. Criteria: ACMG Guidelines, 2015. Collection method: clinical testing. Allele origin: germline.

NM_032043.3(BRIP1):c.379+8A>G

Gene: BRIP1 (BRCA1 interacting DNA helicase 1; minus strand). Cytogenetic location: 17q23.2.
Variant type: single nucleotide variant.
Coding change: c.379+8A>G on transcript NM_032043.3 (MANE Select); 8 bases into the intron after coding-DNA position 379, A replaced by G.
Molecular consequence: intron variant.
Genome position (GRCh38, 1-based): chr17:61,857,050, T>C on the plus strand (A>G on the coding strand, the complement: BRIP1 is on the minus strand). VCF-style: chr17-61857050-T-C. GRCh37 (hg19) VCF-style: chr17-59934411-T-C.
Identifiers: ClinVar variation 491471 (VCV000491471.14), dbSNP rs1057520254, ClinGen allele CA626820034.